The following is an entry in ClinVar:

ClinVar aggregate classification (germline): Pathogenic (1 of 4 stars; one submission).

Submission:

Labcorp Genetics (formerly Invitae), Labcorp
Classification: Pathogenic. Last evaluated: 2022-08-21. Review status: criteria provided, single submitter. Criteria: Invitae Variant Classification Sherloc (09022015). Collection method: clinical testing. Allele origin: germline.
Comment: This premature translational stop signal has been observed in individual(s) with Cockayne syndrome (PMID: 9443879, 29572252). This sequence change creates a premature translational stop signal (p.Ser429Lysfs*7) in the ERCC6 gene. It is expected to result in an absent or disrupted protein product. Loss-of-function variants in ERCC6 are known to be pathogenic (PMID: 18628313, 29572252). This variant is not present in population databases (gnomAD no frequency). For these reasons, this variant has been classified as Pathogenic.

Literature cited by the submitters: PubMed 9443879; PubMed 29572252; PubMed 18628313.

NM_000124.4(ERCC6):c.1283dup (p.Ser429fs)

Genes: ERCC6 (ERCC excision repair 6, chromatin remodeling factor; minus strand), PGBD3 (piggyBac transposable element derived 3; minus strand). Cytogenetic location: 10q11.23.
Variant type: Duplication.
Coding change: c.1283dup on transcript NM_000124.4 (MANE Select); coding-DNA position 1283, one base duplicated (C; older notation c.1283dupC).
Protein change: p.Ser429fs; shifts the reading frame from serine 429.
Molecular consequence: frameshift variant. On other transcripts: 5 prime UTR variant (1).
Genome position (GRCh38, 1-based): chr10:49,524,147, G duplicated on the plus strand (C on the coding strand, the reverse complement: ERCC6 is on the minus strand); the first of 3 consecutive G bases (chr10:49,524,147-49,524,149); duplicating any one gives the same sequence. VCF-style (leftmost placement, unchanged base first): chr10-49524146-T-TG. GRCh37 (hg19) VCF-style: chr10-50732192-T-TG.
Other names: c.1283dup, p.Ser429fs (NM_001277058.2, NM_001277059.2, NM_001346440.2); c.-122dup (NM_170753.3); short protein forms S429fs.
Identifiers: ClinVar variation 2025525 (VCV002025525.4), dbSNP rs1837248544, ClinGen allele CA469790647.
Genomic context (GRCh38, chr10:49,524,146, plus strand): 5'-TTTCCGACCTCCTCCTCCTCCTTCTCCTACAGAAGCAGCTTCAGCTTCTTCCCCAGAACT[T>TG]GGGAAAAAGTCATCATCAATCTCCTGCACTGGCACTTTCTTCTGCCGTTTCCCGCCCTTG-3'